The following is an entry in ClinVar:

ClinVar aggregate classification (germline): Uncertain significance (1 of 4 stars; one submission).

Conditions:
Hypertrophic cardiomyopathy. Also called: HYPERTROPHIC MYOCARDIOPATHY. Identifiers: Orphanet 217569, MedGen C0007194, MeSH D002312, MONDO:0005045, HP:0001639.
Primary dilated cardiomyopathy (DCM). Also called: Dilated Cardiomyopathy. Identifiers: Orphanet 217604, MedGen C0007193, MeSH D002311, MONDO:0005021, HP:0001644. Inheritance: Various modes of inheritance.

Allele frequency attached by ClinVar (database versions not stated): gnomAD exomes 0.00002 and 0.00001; ESP Exome Variant Server 0.00008; ExAC 0.00001.

Submission:

Labcorp Genetics (formerly Invitae), Labcorp
Classification: Uncertain significance for Hypertrophic cardiomyopathy; Primary dilated cardiomyopathy. Last evaluated: 2025-08-31. Review status: criteria provided, single submitter. Criteria: Invitae Variant Classification Sherloc (09022015). Collection method: clinical testing. Allele origin: germline.
Comment: This sequence change replaces arginine, which is basic and polar, with tryptophan, which is neutral and slightly polar, at codon 313 of the PDLIM3 protein (p.Arg313Trp). This variant is present in population databases (rs144286715, gnomAD 0.02%). This variant has not been reported in the literature in individuals affected with PDLIM3-related conditions. ClinVar contains an entry for this variant (Variation ID: 1061382). Invitae Evidence Modeling of protein sequence and biophysical properties (such as structural, functional, and spatial information, amino acid conservation, physicochemical variation, residue mobility, and thermodynamic stability) indicates that this missense variant is not expected to disrupt PDLIM3 protein function with a negative predictive value of 80%. In summary, the available evidence is currently insufficient to determine the role of this variant in disease. Therefore, it has been classified as a Variant of Uncertain Significance.

NM_014476.6(PDLIM3):c.937C>T (p.Arg313Trp)

Gene: PDLIM3 (PDZ and LIM domain 3; minus strand). Cytogenetic location: 4q35.1.
Variant type: single nucleotide variant.
Coding change: c.937C>T on transcript NM_014476.6 (MANE Select); coding-DNA position 937, C replaced by T.
Protein change: p.Arg313Trp; replaces arginine 313 with tryptophan.
Molecular consequence: missense variant. On other transcripts: non-coding transcript variant (1).
Genome position (GRCh38, 1-based): chr4:185,502,452, G>A on the plus strand (C>T on the coding strand, the complement: PDLIM3 is on the minus strand). VCF-style: chr4-185502452-G-A. GRCh37 (hg19) VCF-style: chr4-186423606-G-A.
Other names: c.793C>T, p.Arg265Trp (NM_001114107.5); c.673C>T, p.Arg225Trp (NM_001257962.2); c.436C>T, p.Arg146Trp (NM_001257963.2); short protein forms R146W, R225W, R265W, R313W.
Identifiers: ClinVar variation 1061382 (VCV001061382.7), dbSNP rs144286715, ClinGen allele CA3159631.
Genomic context (GRCh38, chr4:185,502,452, plus strand): 5'-AGTAGCCCTTTTGCTTGAGGTTGAGGTTGCAGTCGGCACACACGAAGCACTCAGGGTGCC[G>A]GTACTTATCCCGCGCCTTCACCACAGCACCGCTGTTGGGGAAGAAAACGAGCTCAAGTTA-3'
Protein context (NP_055291.2, residues 303-323): GAVVKARDKY[Arg313Trp]HPECFVCADC